The following is an entry in ClinVar:

NM_015346.4(ZFYVE26):c.1816G>T (p.Glu606Ter)

Gene: ZFYVE26 (zinc finger FYVE-type containing 26; minus strand). Cytogenetic location: 14q24.1.
Variant type: single nucleotide variant.
Coding change: c.1816G>T on transcript NM_015346.4 (MANE Select); coding-DNA position 1816, G replaced by T.
Protein change: p.Glu606Ter; replaces glutamic acid 606 with a stop codon.
Molecular consequence: nonsense.
Genome position (GRCh38, 1-based): chr14:67,798,446, C>A on the plus strand (G>T on the coding strand, the complement: ZFYVE26 is on the minus strand). VCF-style: chr14-67798446-C-A. GRCh37 (hg19) VCF-style: chr14-68265163-C-A.
Other names: short protein forms E606*.
Identifiers: ClinVar variation 1725978 (VCV001725978.2), dbSNP rs370565100, ClinGen allele CA390175799.

ClinVar aggregate classification (germline): Likely pathogenic (1 of 4 stars; one submission).

Conditions:
Hereditary spastic paraplegia 15 (SPG15). Also called: SPASTIC PARAPLEGIA 15, AUTOSOMAL RECESSIVE; KJELLIN SYNDROME; SPASTIC PARAPLEGIA AND RETINAL DEGENERATION. Identifiers: Orphanet 100996, MedGen C1849128, MONDO:0010044, OMIM 270700.

Submission:

Myriad Genetics, Inc.
Classification: Likely pathogenic for Hereditary spastic paraplegia 15. Last evaluated: 2022-04-29. Review status: criteria provided, single submitter. Criteria: Myriad Women's Health Autosomal Recessive and X-Linked Classification Criteria (2021). Collection method: clinical testing. Allele origin: unknown.
Comment: NM_015346.3(ZFYVE26):c.1816G>T(E606*) is expected to be pathogenic in the context of spastic paraplegia type 15. This variant is predicted to lead to an abnormal or absent protein product due to the creation of a premature termination codon in ZFYVE26, a gene where loss-of-function variants are known to be pathogenic. Please note: this variant was assessed in the context of healthy population screening.